The following is an entry in ClinVar:

NM_022168.4(IFIH1):c.643G>C (p.Val215Leu)

Gene: IFIH1 (interferon induced with helicase C domain 1; minus strand). Cytogenetic location: 2q24.2.
Variant type: single nucleotide variant.
Coding change: c.643G>C on transcript NM_022168.4 (MANE Select); coding-DNA position 643, G replaced by C.
Protein change: p.Val215Leu; replaces valine 215 with leucine.
Molecular consequence: missense variant.
Genome position (GRCh38, 1-based): chr2:162,306,835, C>G on the plus strand (G>C on the coding strand, the complement: IFIH1 is on the minus strand). VCF-style: chr2-162306835-C-G. GRCh37 (hg19) VCF-style: chr2-163163345-C-G.
Other names: short protein forms V215L.
Identifiers: ClinVar variation 4881870 (VCV004881870.2).
Genomic context (GRCh38, chr2:162,306,835, plus strand): 5'-TCTCCAGATTTGGCTGAACTGTGGTTGAAAGAAGTTGCTCTTCCACTTGAGGACCATCAA[C>G]TTGTGATAAATTCTCAATCTCTGTGAATAACAGTATTAGAATGCAAATCATAGTGCCATA-3'
Protein context (NP_071451.2, residues 205-225): SNAEIENLSQ[Val215Leu]DGPQVEEQLL

ClinVar aggregate classification (germline): Uncertain significance (1 of 4 stars; one submission).

Submission:

Dasa
Classification: Uncertain significance. Last evaluated: 2026-03-29. Review status: criteria provided, single submitter. Criteria: DASA Assertion Criteria. Collection method: clinical testing. Allele origin: germline.
Comment: NM_022168.4(IFIH1):c.643G>C (p.Val215Leu) is a missense variant that results in the substitution of valine with leucine. This variant is rare in population databases. Computational prediction algorithms are consistent with a benign effect. The currently available literature and clinical evidence are not sufficient to establish a definitive association between this variant and the reported condition. Therefore, this variant is classified as a variant of uncertain significance.